The following is an entry in ClinVar:

NM_001384125.1(BLTP1):c.6280G>T (p.Ala2094Ser)

Gene: BLTP1 (bridge-like lipid transfer protein family member 1; plus strand). Cytogenetic location: 4q27.
Variant type: single nucleotide variant.
Coding change: c.6280G>T on transcript NM_001384125.1 (MANE Select); coding-DNA position 6280, G replaced by T.
Protein change: p.Ala2094Ser; replaces alanine 2094 with serine.
Molecular consequence: missense variant.
Genome position (GRCh38, 1-based): chr4:122,255,185, G>T. VCF-style: chr4-122255185-G-T. GRCh37 (hg19) VCF-style: chr4-123176340-G-T.
Other names: c.6280G>T, p.Ala2094Ser (NM_015312.4); short protein forms A2094S.
Identifiers: ClinVar variation 4831801 (VCV004831801.1).

ClinVar aggregate classification (germline): Uncertain significance (1 of 4 stars; one submission).

gnomAD v4.1: 60 of 1,610,918 alleles (0.0037%); highest among the groups gnomAD compares: Non-Finnish European, 0.005%; no homozygotes.

Submission:

Ambry Genetics
Classification: Uncertain significance. Last evaluated: 2025-12-24. Review status: criteria provided, single submitter. Criteria: Ambry Variant Classification Scheme 2023. Collection method: clinical testing. Allele origin: germline.
Comment: The c.6280G>T (p.A2094S) alteration is located in exon 38 (coding exon 38) of the KIAA1109 gene. This alteration results from a G to T substitution at nucleotide position 6280, causing the alanine (A) at amino acid position 2094 to be replaced by a serine (S). Based on data from gnomAD, the T allele has an overall frequency of 0.002% (5/249188) total alleles studied. The highest observed frequency was 0.017% (1/6048) of Other alleles. Based on insufficient or conflicting evidence, the clinical significance of this alteration remains unclear.